The following is an entry in ClinVar:

NM_000660.7(TGFB1):c.1164G>T (p.Lys388Asn)

Gene: TGFB1 (transforming growth factor beta 1; minus strand). Cytogenetic location: 19q13.2.
Variant type: single nucleotide variant.
Coding change: c.1164G>T on transcript NM_000660.7 (MANE Select); coding-DNA position 1164, G replaced by T.
Protein change: p.Lys388Asn; replaces lysine 388 with asparagine.
Molecular consequence: missense variant.
Genome position (GRCh38, 1-based): chr19:41,331,061, C>A on the plus strand (G>T on the coding strand, the complement: TGFB1 is on the minus strand). VCF-style: chr19-41331061-C-A. GRCh37 (hg19) VCF-style: chr19-41836966-C-A.
Other names: short protein forms K388N.
Identifiers: ClinVar variation 4760879 (VCV004760879.1).

ClinVar aggregate classification (germline): Uncertain significance (1 of 4 stars; one submission).

gnomAD v4.1: 5 of 1,567,892 alleles (0.00032%); highest among the groups gnomAD compares: East Asian, 0.0093%; no homozygotes.

Submission:

Labcorp Genetics (formerly Invitae), Labcorp
Classification: Uncertain significance. Last evaluated: 2025-08-26. Review status: criteria provided, single submitter. Criteria: Invitae Variant Classification Sherloc (09022015). Collection method: clinical testing. Allele origin: germline.
Comment: This sequence change replaces lysine, which is basic and polar, with asparagine, which is neutral and polar, at codon 388 of the TGFB1 protein (p.Lys388Asn). The frequency data for this variant in the population databases is considered unreliable, as metrics indicate poor data quality at this position in the gnomAD database. This variant has not been reported in the literature in individuals affected with TGFB1-related conditions. Invitae Evidence Modeling of protein sequence and biophysical properties (such as structural, functional, and spatial information, amino acid conservation, physicochemical variation, residue mobility, and thermodynamic stability) indicates that this missense variant is not expected to disrupt TGFB1 protein function with a negative predictive value of 80%. In summary, the available evidence is currently insufficient to determine the role of this variant in disease. Therefore, it has been classified as a Variant of Uncertain Significance.